The following is an entry in ClinVar:

NM_025137.4(SPG11):c.4233C>G (p.Pro1411=)

Genes: SPG11 (SPG11 vesicle trafficking associated, spatacsin; minus strand), LOC130056973 (ATAC-STARR-seq lymphoblastoid active region 9341; plus strand). Cytogenetic location: 15q21.1.
Variant type: single nucleotide variant.
Coding change: c.4233C>G on transcript NM_025137.4 (MANE Select); coding-DNA position 4233, C replaced by G.
Protein change: p.Pro1411=; no amino-acid change (proline 1411 retained).
Molecular consequence: synonymous variant.
Genome position (GRCh38, 1-based): chr15:44,596,284, G>C on the plus strand (C>G on the coding strand, the complement: SPG11 is on the minus strand). VCF-style: chr15-44596284-G-C. GRCh37 (hg19) VCF-style: chr15-44888482-G-C.
Other names: p.Pro1411=; c.4233C>G, p.Pro1411= (NM_001160227.2).
Identifiers: ClinVar variation 652808 (VCV000652808.13), dbSNP rs758004741, ClinGen allele CA7534726.

ClinVar aggregate classification (germline): Likely benign. Review status: criteria provided, multiple submitters, no conflicts (2 of 4 stars). 3 submissions from 3 submitters: Likely benign (3). Last evaluated 2025-12-11.

Conditions:
Hereditary spastic paraplegia 11. Also called: Spastic Paraplegia 11; SPASTIC PARAPLEGIA, AUTOSOMAL RECESSIVE, COMPLICATED, WITH THIN CORPUS CALLOSUM; SPASTIC PARAPLEGIA, AUTOSOMAL RECESSIVE, WITH MENTAL IMPAIRMENT AND THIN CORPUS CALLOSUM; Spastic paraplegia, mental retardation and thin corpus callosum; Nakamura Osame syndrome; Autosomal recessive hereditary spastic paraplegia, mental impairment, and thin corpus callosum. Identifiers: Orphanet 2822, MedGen C1858479, MONDO:0011445, OMIM 604360.

Allele frequency attached by ClinVar (database versions not stated): TOPMed 0.00002.

Submissions (3):

Labcorp Genetics (formerly Invitae), Labcorp
Classification: Likely benign for Hereditary spastic paraplegia 11. Last evaluated: 2025-12-11. Review status: criteria provided, single submitter. Criteria: Invitae Variant Classification Sherloc (09022015). Collection method: clinical testing. Allele origin: germline.

Mayo Clinic Laboratories, Mayo Clinic
Classification: Likely benign. Last evaluated: 2025-12-05. Review status: criteria provided, single submitter. Criteria: ACMG Guidelines, 2015. Collection method: clinical testing. Allele origin: germline. Observed: 1 variant allele.
Comment: BP4, BP7

Athena Diagnostics
Classification: Likely benign. Last evaluated: 2024-06-11. Review status: criteria provided, single submitter. Criteria: Athena Diagnostics Criteria. Collection method: clinical testing. Allele origin: unknown.